The following is an entry in ClinVar:

ClinVar aggregate classification (germline): Uncertain significance (1 of 4 stars; one submission).

Conditions:
Walker-Warburg congenital muscular dystrophy. Also called: Muscular dystrophy-dystroglycanopathy, type A; Walker-Warburg syndrome. Identifiers: Orphanet 899, MedGen C0265221, MONDO:0000171.

gnomAD v4.1: 3 of 1,608,352 alleles (0.00019%); highest among the groups gnomAD compares: African/African-American, 0.0013%; no homozygotes.

Submission:

Labcorp Genetics (formerly Invitae), Labcorp
Classification: Uncertain significance for Walker-Warburg congenital muscular dystrophy. Last evaluated: 2024-11-23. Review status: criteria provided, single submitter. Criteria: Invitae Variant Classification Sherloc (09022015). Collection method: clinical testing. Allele origin: germline.
Comment: This sequence change replaces valine, which is neutral and non-polar, with methionine, which is neutral and non-polar, at codon 372 of the FKRP protein (p.Val372Met). The frequency data for this variant in the population databases is considered unreliable, as metrics indicate poor data quality at this position in the gnomAD database. This variant has not been reported in the literature in individuals affected with FKRP-related conditions. Invitae Evidence Modeling of protein sequence and biophysical properties (such as structural, functional, and spatial information, amino acid conservation, physicochemical variation, residue mobility, and thermodynamic stability) has been performed for this missense variant. However, the output from this modeling did not meet the statistical confidence thresholds required to predict the impact of this variant on FKRP protein function. This variant disrupts the p.Val372 amino acid residue in FKRP. Other variant(s) that disrupt this residue have been determined to be pathogenic (internal data). This suggests that this residue is clinically significant, and that variants that disrupt this residue are likely to be disease-causing. In summary, the available evidence is currently insufficient to determine the role of this variant in disease. Therefore, it has been classified as a Variant of Uncertain Significance.

NM_024301.5(FKRP):c.1114G>A (p.Val372Met)

Gene: FKRP (fukutin related protein; plus strand). Cytogenetic location: 19q13.32.
Variant type: single nucleotide variant.
Coding change: c.1114G>A on transcript NM_024301.5 (MANE Select); coding-DNA position 1114, G replaced by A.
Protein change: p.Val372Met; replaces valine 372 with methionine.
Molecular consequence: missense variant.
Genome position (GRCh38, 1-based): chr19:46,756,564, G>A. VCF-style: chr19-46756564-G-A. GRCh37 (hg19) VCF-style: chr19-47259821-G-A.
Other names: c.1114G>A, p.Val372Met (NM_001039885.3); short protein forms V372M.
Identifiers: ClinVar variation 3695865 (VCV003695865.2).